The following is an entry in ClinVar:

NM_007294.4(BRCA1):c.4317T>C (p.Leu1439=)

Gene: BRCA1 (BRCA1 DNA repair associated; minus strand). Cytogenetic location: 17q21.31.
Variant type: single nucleotide variant.
Coding change: c.4317T>C on transcript NM_007294.4 (MANE Select); coding-DNA position 4317, T replaced by C.
Protein change: p.Leu1439=; no amino-acid change (leucine 1439 retained).
Molecular consequence: synonymous variant.
Genome position (GRCh38, 1-based): chr17:43,082,444, A>G on the plus strand (T>C on the coding strand, the complement: BRCA1 is on the minus strand). VCF-style: chr17-43082444-A-G. GRCh37 (hg19) VCF-style: chr17-41234461-A-G.
Other names: c.4104T>C, p.Leu1368= (NM_001407571.1, NM_001407853.1, NM_001407894.1 and 12 more transcripts); c.4317T>C, p.Leu1439= (NM_001407581.1, NM_001407582.1, NM_001407583.1 and 23 more transcripts); c.4314T>C, p.Leu1438= (NM_001407587.1, NM_001407590.1, NM_001407591.1 and 21 more transcripts); c.4311T>C, p.Leu1437= (NM_001407627.1, NM_001407628.1, NM_001407629.1 and 5 more transcripts); c.4305T>C, p.Leu1435= (NM_001407646.1, NM_001407647.1); c.4194T>C, p.Leu1398= (NM_001407648.1, NM_001407664.1, NM_001407665.1 and 13 more transcripts); c.4191T>C, p.Leu1397= (NM_001407649.1, NM_001407670.1, NM_001407671.1 and 12 more transcripts); c.4239T>C, p.Leu1413= (NM_001407653.1, NM_001407654.1, NM_001407655.1 and 2 more transcripts); and 51 more.
Identifiers: ClinVar variation 1696295 (VCV001696295.8), dbSNP rs2154148532, ClinGen allele CA500148366.

ClinVar aggregate classification (germline): Likely benign. Review status: criteria provided, multiple submitters, no conflicts (2 of 4 stars). 4 submissions from 4 submitters: Likely benign (3). 1 of the submissions does not count toward it. Last evaluated 2025-05-19.

Conditions:
Hereditary cancer-predisposing syndrome. Also called: Hereditary neoplastic syndrome; Tumor predisposition; Neoplastic Syndromes, Hereditary; Hereditary Cancer Syndrome. Identifiers: Orphanet 140162, MedGen C0027672, MeSH D009386, MONDO:0015356.
Hereditary breast ovarian cancer syndrome. Also called: Hereditary breast and ovarian cancer syndrome; Breast and ovarian cancer; Hereditary breast and ovarian cancer; Hereditary breast and/or ovarian cancer syndrome; Hereditary breast and ovarian cancer syndrome (HBOC); BRCA1- and BRCA2-Associated Hereditary Breast and Ovarian Cancer. Identifiers: Orphanet 145, MedGen C0677776, MeSH D061325, MONDO:0003582. Disease mechanism: loss of function.
BRCA1-related disorder. Also called: BRCA1-related condition.

gnomAD v4.1: 7 of 1,614,190 alleles (0.00043%); highest among the groups gnomAD compares: Non-Finnish European, 0.00059%; no homozygotes.

Submissions (4):

Ambry Genetics
Classification: Likely benign for Hereditary cancer-predisposing syndrome. Last evaluated: 2025-05-19. Review status: criteria provided, single submitter. Criteria: Ambry Variant Classification Scheme 2023. Collection method: clinical testing. Allele origin: germline.

Labcorp Genetics (formerly Invitae), Labcorp
Classification: Likely benign for Hereditary breast ovarian cancer syndrome. Last evaluated: 2022-10-04. Review status: criteria provided, single submitter. Criteria: Invitae Variant Classification Sherloc (09022015). Collection method: clinical testing. Allele origin: germline.

Women's Health and Genetics/Laboratory Corporation of America, LabCorp
Classification: Likely benign. Last evaluated: 2022-05-07. Review status: criteria provided, single submitter. Criteria: LabCorp Variant Classification Summary - May 2015. Collection method: clinical testing. Allele origin: germline.

PreventionGenetics, part of Exact Sciences
Classification: Likely benign for BRCA1-related condition. Last evaluated: 2024-07-12. Review status: no assertion criteria provided. Collection method: clinical testing. Allele origin: germline. Not counted in ClinVar's aggregate classification.
Comment: This variant is classified as likely benign based on ACMG/AMP sequence variant interpretation guidelines (Richards et al. 2015 PMID: 25741868, with internal and published modifications).